The following is an entry in ClinVar:

NM_003000.3(SDHB):c.556T>C (p.Cys186Arg)

Gene: SDHB (succinate dehydrogenase complex iron sulfur subunit B; minus strand). Cytogenetic location: 1p36.13.
Variant type: single nucleotide variant.
Coding change: c.556T>C on transcript NM_003000.3 (MANE Select); coding-DNA position 556, T replaced by C.
Protein change: p.Cys186Arg; replaces cysteine 186 with arginine.
Molecular consequence: missense variant.
Genome position (GRCh38, 1-based): chr1:17,024,059, A>G on the plus strand (T>C on the coding strand, the complement: SDHB is on the minus strand). VCF-style: chr1-17024059-A-G. GRCh37 (hg19) VCF-style: chr1-17350554-A-G.
Other names: c.502T>C, p.Cys168Arg (NM_001407361.1); short protein forms C168R, C186R.
Identifiers: ClinVar variation 2943622 (VCV002943622.3), dbSNP rs2525009027, ClinGen allele CA338271385.

ClinVar aggregate classification (germline): Uncertain significance (1 of 4 stars; one submission).

Conditions:
Pheochromocytoma. Also called: MAX-Related Hereditary Paraganglioma-Pheochromocytoma Syndrome. Identifiers: Orphanet 29072, MedGen C0031511, MONDO:0008233, OMIM 171300, HP:0002666.
Gastrointestinal stromal tumor. Also called: Gastrointestinal stromal tumor, somatic; Gastrointestinal stroma tumor. Identifiers: Orphanet 44890, MedGen C0238198, MeSH D046152, MONDO:0011719, OMIM 606764, HP:0100723.
Pheochromocytoma/paraganglioma syndrome 4. Also called: CAROTID BODY TUMORS AND MULTIPLE EXTRAADRENAL PHEOCHROMOCYTOMAS; PARAGANGLIOMA, FAMILIAL MALIGNANT; PARAGANGLIOMAS, HEREDITARY EXTRAADRENAL; PHEOCHROMOCYTOMA, FAMILIAL EXTRAADRENAL; Paragangliomas 4; SDHB-Related Hereditary Paraganglioma-Pheochromocytoma Syndrome (Paragangliomas 4). Identifiers: Orphanet 29072, MedGen C1861848, MONDO:0007273, OMIM 115310.

Submission:

Labcorp Genetics (formerly Invitae), Labcorp
Classification: Uncertain significance for Gastrointestinal stromal tumor; Pheochromocytoma/paraganglioma syndrome 4; Pheochromocytoma. Last evaluated: 2023-01-26. Review status: criteria provided, single submitter. Criteria: Invitae Variant Classification Sherloc (09022015). Collection method: clinical testing. Allele origin: germline.
Comment: In summary, the available evidence is currently insufficient to determine the role of this variant in disease. Therefore, it has been classified as a Variant of Uncertain Significance. This variant disrupts the p.Cys186 amino acid residue in SDHB. Other variant(s) that disrupt this residue have been determined to be pathogenic (PMID: 17848412, 20208144, 31046099; Invitae). This suggests that this residue is clinically significant, and that variants that disrupt this residue are likely to be disease-causing. Advanced modeling of protein sequence and biophysical properties (such as structural, functional, and spatial information, amino acid conservation, physicochemical variation, residue mobility, and thermodynamic stability) performed at Invitae indicates that this missense variant is expected to disrupt SDHB protein function. This variant has not been reported in the literature in individuals affected with SDHB-related conditions. This sequence change replaces cysteine, which is neutral and slightly polar, with arginine, which is basic and polar, at codon 186 of the SDHB protein (p.Cys186Arg). This variant is not present in population databases (gnomAD no frequency).

Literature cited by the submitters: PubMed 17848412; PubMed 20208144; PubMed 31046099.